The following is an entry in ClinVar:

ClinVar aggregate classification (germline): Pathogenic/Likely pathogenic. Review status: criteria provided, multiple submitters, no conflicts (2 of 4 stars). 2 submissions from 2 submitters: Pathogenic (1); Likely pathogenic (1). Last evaluated 2025-11-18.

Conditions:
Autosomal recessive polycystic kidney disease (ARPKD). Also called: AR polycystic kidney disease. Identifiers: Orphanet 731, Orphanet 8378, MedGen C0085548, MeSH D017044, MONDO:0009889.

gnomAD v4.1: 1 of 1,614,086 alleles (0.000062%); highest among the groups gnomAD compares: African/African-American, 0.0013%; no homozygotes.

Submissions (2):

Natera, Inc.
Classification: Likely pathogenic for Autosomal recessive polycystic kidney disease. Last evaluated: 2025-11-18. Review status: criteria provided, single submitter. Criteria: Natera Variant Classification Schema (03/2026). Collection method: clinical testing. Allele origin: germline.
Comment: The c.4277C>A variant in PKHD1 is a nonsense variant predicted to introduce a stop codon at amino acid 1426. This variant is expected to result in nonsense mediated decay, truncation, or a dysfunctional protein product. This variant is rare in the general population with a frequency below the threshold expected for the associated phenotype(s). Given the available evidence, this variant is classified as Likely Pathogenic.

Labcorp Genetics (formerly Invitae), Labcorp
Classification: Pathogenic for Autosomal recessive polycystic kidney disease. Last evaluated: 2025-07-25. Review status: criteria provided, single submitter. Criteria: Invitae Variant Classification Sherloc (09022015). Collection method: clinical testing. Allele origin: germline.
Comment: This sequence change creates a premature translational stop signal (p.Ser1426*) in the PKHD1 gene. It is expected to result in an absent or disrupted protein product. Loss-of-function variants in PKHD1 are known to be pathogenic (PMID: 19940839). This variant is present in population databases (no rsID available, gnomAD 0.007%). This variant has not been reported in the literature in individuals affected with PKHD1-related conditions. ClinVar contains an entry for this variant (Variation ID: 2916043). For these reasons, this variant has been classified as Pathogenic.

Literature cited by the submitters: PubMed 19940839 (cited by Labcorp Genetics (formerly Invitae), Labcorp).

NM_138694.4(PKHD1):c.4277C>A (p.Ser1426Ter)

Gene: PKHD1 (PKHD1 ciliary IPT domain containing fibrocystin/polyductin; minus strand). Cytogenetic location: 6p12.2.
Variant type: single nucleotide variant.
Coding change: c.4277C>A on transcript NM_138694.4 (MANE Select); coding-DNA position 4277, C replaced by A.
Protein change: p.Ser1426Ter; replaces serine 1426 with a stop codon.
Molecular consequence: nonsense.
Genome position (GRCh38, 1-based): chr6:52,025,533, G>T on the plus strand (C>A on the coding strand, the complement: PKHD1 is on the minus strand). VCF-style: chr6-52025533-G-T. GRCh37 (hg19) VCF-style: chr6-51890331-G-T.
Other names: c.4277C>A, p.Ser1426Ter (NM_170724.3); c.4277C>A (NM_138694.3); short protein forms S1426*.
Identifiers: ClinVar variation 2916043 (VCV002916043.4), dbSNP rs771702541, ClinGen allele CA364434402.